The following is an entry in ClinVar:

ClinVar aggregate classification (germline): Uncertain significance (1 of 4 stars; one submission).

Submission:

Labcorp Genetics (formerly Invitae), Labcorp
Classification: Uncertain significance. Last evaluated: 2022-04-12. Review status: criteria provided, single submitter. Criteria: Invitae Variant Classification Sherloc (09022015). Collection method: clinical testing. Allele origin: germline.
Comment: This variant is not present in population databases (gnomAD no frequency). This sequence change replaces lysine, which is basic and polar, with glutamine, which is neutral and polar, at codon 141 of the TMEM126A protein (p.Lys141Gln). This variant has not been reported in the literature in individuals affected with TMEM126A-related conditions. Algorithms developed to predict the effect of missense changes on protein structure and function are either unavailable or do not agree on the potential impact of this missense change (SIFT: "Tolerated"; PolyPhen-2: "Possibly Damaging"; Align-GVGD: "Class C0"). In summary, the available evidence is currently insufficient to determine the role of this variant in disease. Therefore, it has been classified as a Variant of Uncertain Significance.

NM_032273.4(TMEM126A):c.421A>C (p.Lys141Gln)

Gene: TMEM126A (transmembrane protein 126A; plus strand). Cytogenetic location: 11q14.1.
Variant type: single nucleotide variant.
Coding change: c.421A>C on transcript NM_032273.4 (MANE Select); coding-DNA position 421, A replaced by C.
Protein change: p.Lys141Gln; replaces lysine 141 with glutamine.
Molecular consequence: missense variant.
Genome position (GRCh38, 1-based): chr11:85,656,334, A>C. VCF-style: chr11-85656334-A-C. GRCh37 (hg19) VCF-style: chr11-85367378-A-C.
Other names: c.211A>C, p.Lys71Gln (NM_001244735.2); short protein forms K141Q, K71Q.
Identifiers: ClinVar variation 2125013 (VCV002125013.4), dbSNP rs759368681, ClinGen allele CA381997392.
Genomic context (GRCh38, chr11:85,656,334, plus strand): 5'-CTTTTCTATTGAACTATCTCAATGTTTTCTTACAGGTATCAATCAGCTCTGTTACCACAC[A>C]AAGGGAACATCTTAAGTTACTGGATTAGAACTTCTAAGCCTGTCTTTAGAAAGATGTTAT-3'
Protein context (NP_115649.1, residues 131-151): ARYQSALLPH[Lys141Gln]GNILSYWIRT